The following is an entry in ClinVar:

ClinVar aggregate classification (germline): Uncertain significance. Review status: criteria provided, multiple submitters, no conflicts (2 of 4 stars). 2 submissions from 2 submitters: Uncertain significance (2). Last evaluated 2024-05-29.

Conditions:
Exostoses, multiple, type 2 (EXT2). Also called: Hereditary Multiple Osteochondromatosis, Type II; EXOSTOSES, MULTIPLE, TYPE II. Identifiers: Orphanet 321, MedGen C1851413, MONDO:0007586, OMIM 133701.
Seizures-scoliosis-macrocephaly syndrome. Also called: Seizures, scoliosis, and macrocephaly syndrome; SEIZURES, SCOLIOSIS, AND MACROCEPHALY/MICROCEPHALY SYNDROME. Identifiers: Orphanet 466926, MedGen C4225248, MONDO:0014731, OMIM 616682.
EXT2-related disorder. Also called: EXT2-related condition.

Allele frequency attached by ClinVar (database versions not stated): TOPMed 0.00002; ESP Exome Variant Server 0.00008.
gnomAD v4.1: 12 of 1,613,872 alleles (0.00074%); highest among the groups gnomAD compares: African/African-American, 0.0013%; no homozygotes.

Submissions (2):

Fulgent Genetics
Classification: Uncertain significance for Exostoses, multiple, type 2; Seizures-scoliosis-macrocephaly syndrome. Last evaluated: 2024-05-29. Review status: criteria provided, single submitter. Criteria: ACMG Guidelines, 2015. Collection method: clinical testing. Allele origin: germline.

PreventionGenetics, part of Exact Sciences
Classification: Uncertain significance for EXT2-related condition. Last evaluated: 2022-08-31. Review status: criteria provided, single submitter. Criteria: ACMG Guidelines, 2015. Collection method: clinical testing. Allele origin: germline.
Comment: The EXT2 c.1931T>C variant is predicted to result in the amino acid substitution p.Ile644Thr. To our knowledge, this variant has not been reported in the literature. This variant is reported in 0.0023% of alleles in individuals of European (Non-Finnish) descent in gnomAD. At this time, the clinical significance of this variant is uncertain due to the absence of conclusive functional and genetic evidence.

NM_207122.2(EXT2):c.1931T>C (p.Ile644Thr)

Gene: EXT2 (exostosin glycosyltransferase 2; plus strand). Cytogenetic location: 11p11.2.
Variant type: single nucleotide variant.
Coding change: c.1931T>C on transcript NM_207122.2 (MANE Select); coding-DNA position 1931, T replaced by C.
Protein change: p.Ile644Thr; replaces isoleucine 644 with threonine.
Molecular consequence: missense variant.
Genome position (GRCh38, 1-based): chr11:44,234,239, T>C. VCF-style: chr11-44234239-T-C. GRCh37 (hg19) VCF-style: chr11-44255789-T-C.
Other names: c.2030T>C, p.Ile677Thr (NM_000401.3); c.1961T>C, p.Ile654Thr (NM_001178083.3); c.1931T>C, p.Ile644Thr (NM_001389628.1, NM_001389630.1); short protein forms I644T, I654T, I677T.
Identifiers: ClinVar variation 2636241 (VCV002636241.2), dbSNP rs368444550, ClinGen allele CA5955390.